The following is an entry in ClinVar:

NM_014974.3(DIP2C):c.4320A>G (p.Val1440=)

Gene: DIP2C (DIP2 acetate--CoA ligase C (putative); minus strand). Cytogenetic location: 10p15.3.
Variant type: single nucleotide variant.
Coding change: c.4320A>G on transcript NM_014974.3 (MANE Select); coding-DNA position 4320, A replaced by G.
Protein change: p.Val1440=; no amino-acid change (valine 1440 retained).
Molecular consequence: synonymous variant.
Genome position (GRCh38, 1-based): chr10:281,298, T>C on the plus strand (A>G on the coding strand, the complement: DIP2C is on the minus strand). VCF-style: chr10-281298-T-C. GRCh37 (hg19) VCF-style: chr10-327238-T-C.
Other names: c.4320A>G (NM_014974.2).
Identifiers: ClinVar variation 1542347 (VCV001542347.11), dbSNP rs533136772, ClinGen allele CA5379444.

ClinVar aggregate classification (germline): Likely benign. Review status: criteria provided, single submitter (1 of 4 stars). 2 submissions from 2 submitters: Likely benign (1). 1 of the submissions does not count toward it. Last evaluated 2024-05-29.

Conditions:
DIP2C-related disorder. Also called: DIP2C-related condition.

Allele frequency attached by ClinVar (database versions not stated): gnomAD exomes 0.00002 and 0.00008; TOPMed 0.00006; gnomAD 0.00008 and 0.00011; ExAC 0.00010; 1000 Genomes Project 0.00100; 1000 Genomes Project 30x 0.00109.
gnomAD v4.1: 50 of 1,613,932 alleles (0.0031%); highest among the groups gnomAD compares: East Asian, 0.076%; no homozygotes.

Submissions (2):

Labcorp Genetics (formerly Invitae), Labcorp
Classification: Likely benign. Last evaluated: 2024-05-29. Review status: criteria provided, single submitter. Criteria: Invitae Variant Classification Sherloc (09022015). Collection method: clinical testing. Allele origin: germline.

PreventionGenetics, part of Exact Sciences
Classification: Likely benign for DIP2C-related condition. Last evaluated: 2019-09-10. Review status: no assertion criteria provided. Collection method: clinical testing. Allele origin: germline. Not counted in ClinVar's aggregate classification.
Comment: This variant is classified as likely benign based on ACMG/AMP sequence variant interpretation guidelines (Richards et al. 2015 PMID: 25741868, with internal and published modifications).